The following is an entry in ClinVar:

ClinVar aggregate classification (germline): Uncertain significance. Review status: criteria provided, multiple submitters, no conflicts (2 of 4 stars). 4 submissions from 4 submitters: Uncertain significance (4). Last evaluated 2024-09-30.

Conditions:
Inborn genetic diseases. Identifiers: MedGen C0950123, MeSH D030342.

Allele frequency attached by ClinVar (database versions not stated): gnomAD 0.00003; TOPMed 0.00003.
gnomAD v4.1: 77 of 1,556,626 alleles (0.0049%); highest among the groups gnomAD compares: African/African-American, 0.0068%; no homozygotes.

Submissions (4):

Blueprint Genetics
Classification: Uncertain significance. Last evaluated: 2024-09-30. Review status: criteria provided, single submitter. Criteria: ACMG Guidelines, 2015. Collection method: clinical testing. Allele origin: germline.

Labcorp Genetics (formerly Invitae), Labcorp
Classification: Uncertain significance. Last evaluated: 2024-04-22. Review status: criteria provided, single submitter. Criteria: Invitae Variant Classification Sherloc (09022015). Collection method: clinical testing. Allele origin: germline.
Comment: This sequence change replaces alanine, which is neutral and non-polar, with valine, which is neutral and non-polar, at codon 1632 of the SPTB protein (p.Ala1632Val). The frequency data for this variant in the population databases is considered unreliable, as metrics indicate poor data quality at this position in the gnomAD database. This variant has not been reported in the literature in individuals affected with SPTB-related conditions. ClinVar contains an entry for this variant (Variation ID: 2596810). An algorithm developed to predict the effect of missense changes on protein structure and function (PolyPhen-2) suggests that this variant is likely to be tolerated. In summary, the available evidence is currently insufficient to determine the role of this variant in disease. Therefore, it has been classified as a Variant of Uncertain Significance.

Revvity Omics, Revvity
Classification: Uncertain significance. Last evaluated: 2024-04-15. Review status: criteria provided, single submitter. Criteria: ACMG Guidelines, 2015. Collection method: clinical testing. Allele origin: germline.

Ambry Genetics
Classification: Uncertain significance for Inborn genetic diseases. Last evaluated: 2023-09-14. Review status: criteria provided, single submitter. Criteria: Ambry Variant Classification Scheme 2023. Collection method: clinical testing. Allele origin: germline.

NM_001355436.2(SPTB):c.4895C>T (p.Ala1632Val)

Gene: SPTB (spectrin beta, erythrocytic; minus strand). Cytogenetic location: 14q23.3.
Variant type: single nucleotide variant.
Coding change: c.4895C>T on transcript NM_001355436.2 (MANE Select); coding-DNA position 4895, C replaced by T.
Protein change: p.Ala1632Val; replaces alanine 1632 with valine.
Molecular consequence: missense variant.
Genome position (GRCh38, 1-based): chr14:64,774,475, G>A on the plus strand (C>T on the coding strand, the complement: SPTB is on the minus strand). VCF-style: chr14-64774475-G-A. GRCh37 (hg19) VCF-style: chr14-65241193-G-A.
Other names: NM_000347.5:c.4895C>T; c.4895C>T, p.Ala1632Val (NM_001024858.4, NM_001355437.2); short protein forms A1632V.
Identifiers: ClinVar variation 2596810 (VCV002596810.6), dbSNP rs781286844, ClinGen allele CA7230156.
Genomic context (GRCh38, chr14:64,774,475, plus strand): 5'-GACAGCAGGCCCTGGGCCCGGCTGGCCAGCTGCTTGATGTTCCGGCCGTAGTCCTCCACC[G>A]CACGCTGCTGCCGCAAATGTCGCTTCAGCATCACAATGGCGCCCTCTTCATCCTAGGAGG-3'
Protein context (NP_001342365.1, residues 1622-1642): MLKRHLRQQR[Ala1632Val]VEDYGRNIKQ